The following is an entry in ClinVar:

NM_014251.3(SLC25A13):c.352C>T (p.Gln118Ter)

Gene: SLC25A13 (solute carrier family 25 member 13; minus strand). Cytogenetic location: 7q21.3.
Variant type: single nucleotide variant.
Coding change: c.352C>T on transcript NM_014251.3 (MANE Select); coding-DNA position 352, C replaced by T.
Protein change: p.Gln118Ter; replaces glutamine 118 with a stop codon.
Molecular consequence: nonsense. On other transcripts: non-coding transcript variant (1).
Genome position (GRCh38, 1-based): chr7:96,208,954, G>A on the plus strand (C>T on the coding strand, the complement: SLC25A13 is on the minus strand). VCF-style: chr7-96208954-G-A. GRCh37 (hg19) VCF-style: chr7-95838266-G-A.
Other names: c.352C>T, p.Gln118Ter (NM_001160210.2); short protein forms Q118*.
Identifiers: ClinVar variation 5007248 (VCV005007248.2).

ClinVar aggregate classification (germline): Likely pathogenic (1 of 4 stars; one submission).

Conditions:
Citrullinemia, type II, adult-onset (CDAA). Also called: CITRIN DEFICIENCY, ADOLESCENT OR ADULT ONSET. Identifiers: Orphanet 247585, MedGen CN295299, MONDO:0011326, OMIM 603471.
Neonatal intrahepatic cholestasis due to citrin deficiency (CDNI). Also called: Neonatal-onset citrullinemia type II; Neonatal-onset citrullinemia type 2; Neonatal Intrahepatic Cholestasis Caused by Citrin Deficiency (NICCD); CITRIN DEFICIENCY, NEONATAL OR INFANTILE ONSET. Identifiers: Orphanet 247598, MedGen C1853942, MONDO:0011601, OMIM 605814.

Submission:

Juno Genomics, Hangzhou Juno Genomics, Inc
Classification: Likely pathogenic for Citrullinemia, type II, adult-onset; Neonatal intrahepatic cholestasis due to citrin deficiency. Review status: criteria provided, single submitter. Criteria: ACMG Guidelines, 2015. Collection method: clinical testing. Allele origin: germline.
Comment: Null variant in a gene where loss of function (LOF) is a known mechanism of disease.;Absent from controls (or at extremely low frequency if recessive) in Genome Aggregation Database.